The following is an entry in ClinVar:

ClinVar aggregate classification (germline): Pathogenic. Review status: criteria provided, single submitter (1 of 4 stars). 4 submissions from 4 submitters: Pathogenic (1). 3 of the submissions do not count toward it. Last evaluated 2022-08-23.

Conditions:
Hereditary spastic paraplegia 3A (SPG3A). Also called: SPASTIC PARAPLEGIA 3, AUTOSOMAL DOMINANT; FAMILIAL SPASTIC PARAPLEGIA, AUTOSOMAL DOMINANT, 1; SPG3; STRUMPELL DISEASE; Spastic Paraplegia 3A; Spastic paraplegia 3A, autosomal dominant. Identifiers: Orphanet 100984, MedGen C2931355, MONDO:0008437, OMIM 182600.

Submissions (4):

Labcorp Genetics (formerly Invitae), Labcorp
Classification: Pathogenic for Hereditary spastic paraplegia 3A. Last evaluated: 2022-08-23. Review status: criteria provided, single submitter. Criteria: Invitae Variant Classification Sherloc (09022015). Collection method: clinical testing. Allele origin: germline.
Comment: Advanced modeling of protein sequence and biophysical properties (such as structural, functional, and spatial information, amino acid conservation, physicochemical variation, residue mobility, and thermodynamic stability) performed at Invitae indicates that this missense variant is expected to disrupt ATL1 protein function. For these reasons, this variant has been classified as Pathogenic. This variant disrupts the p.Met408 amino acid residue in ATL1. Other variant(s) that disrupt this residue have been observed in individuals with ATL1-related conditions (PMID: 12939451, 17502470), which suggests that this may be a clinically significant amino acid residue. Algorithms developed to predict the effect of sequence changes on RNA splicing suggest that this variant may create or strengthen a splice site. ClinVar contains an entry for this variant (Variation ID: 4351). This missense change has been observed in individuals with autosomal dominant hereditary spastic paraplegia (PMID: 12939451). It has also been observed to segregate with disease in related individuals. This variant is not present in population databases (gnomAD no frequency). This sequence change replaces methionine, which is neutral and non-polar, with valine, which is neutral and non-polar, at codon 408 of the ATL1 protein (p.Met408Val).

Inherited Neuropathy Consortium Ii, University Of Miami
Classification: Uncertain significance for Hereditary spastic paraplegia 3A. Last evaluated: 2016-01-06. Review status: no assertion criteria provided. Collection method: literature only. Allele origin: germline. Affected: yes. Not counted in ClinVar's aggregate classification.

OMIM
Classification: Pathogenic for SPASTIC PARAPLEGIA 3, AUTOSOMAL DOMINANT. Last evaluated: 2003-08-26. Review status: no assertion criteria provided. Collection method: literature only. Allele origin: germline. Not counted in ClinVar's aggregate classification.

GeneReviews
No classification provided. Condition: Hereditary spastic paraplegia 3A. Review status: no classification provided. Collection method: literature only. Allele origin: unknown. Not counted in ClinVar's aggregate classification.

Literature cited by the submitters: PubMed 12939451 (cited by Labcorp Genetics (formerly Invitae), Labcorp and OMIM); PubMed 17502470 (cited by Labcorp Genetics (formerly Invitae), Labcorp); PubMed 21494555 (cited by Inherited Neuropathy Consortium Ii, University Of Miami); PubMed 20862796 (cited by GeneReviews); NCBI Bookshelf NBK45978 (cited by GeneReviews).

NM_015915.5(ATL1):c.1222A>G (p.Met408Val)

Gene: ATL1 (atlastin GTPase 1; plus strand). Cytogenetic location: 14q22.1.
Variant type: single nucleotide variant.
Coding change: c.1222A>G on transcript NM_015915.5 (MANE Select); coding-DNA position 1222, A replaced by G.
Protein change: p.Met408Val; replaces methionine 408 with valine.
Molecular consequence: missense variant.
Genome position (GRCh38, 1-based): chr14:50,628,133, A>G. VCF-style: chr14-50628133-A-G. GRCh37 (hg19) VCF-style: chr14-51094851-A-G.
Other names: c.1222A>G, p.Met408Val (NM_001127713.1, NM_181598.4); short protein forms M408V.
Identifiers: ClinVar variation 4351 (VCV000004351.12), dbSNP rs28939094, ClinGen allele CA340232.